The following is an entry in ClinVar:

ClinVar aggregate classification (germline): Uncertain significance. Review status: criteria provided, multiple submitters, no conflicts (2 of 4 stars). 2 submissions from 2 submitters: Uncertain significance (2). Last evaluated 2025-04-21.

Conditions:
Progressive sclerosing poliodystrophy (MTDPS4A). Also called: NEURONAL DEGENERATION OF CHILDHOOD WITH LIVER DISEASE, PROGRESSIVE; Alpers-Huttenlocher Syndrome (AHS); ALPERS PROGRESSIVE INFANTILE POLIODYSTROPHY; Mitochondrial DNA Depletion Syndrome 4A; Alpers Syndrome; ALPERS DIFFUSE DEGENERATION OF CEREBRAL GRAY MATTER WITH HEPATIC CIRRHOSIS. Identifiers: Orphanet 726, MedGen C0205710, MONDO:0008758, OMIM 203700.

Allele frequency attached by ClinVar (database versions not stated): gnomAD exomes 0.00001; ExAC 0.00002; gnomAD 0.00003 and 0.00004; TOPMed 0.00003.
gnomAD v4.1: 11 of 1,613,930 alleles (0.00068%); highest among the groups gnomAD compares: African/African-American, 0.015%; no homozygotes.

Submissions (2):

Mayo Clinic Laboratories, Mayo Clinic
Classification: Uncertain significance. Last evaluated: 2025-04-21. Review status: criteria provided, single submitter. Criteria: ACMG Guidelines, 2015. Collection method: clinical testing. Allele origin: germline. Observed: 1 variant allele.
Comment: PM2_supporting

Labcorp Genetics (formerly Invitae), Labcorp
Classification: Uncertain significance for Progressive sclerosing poliodystrophy. Last evaluated: 2024-05-29. Review status: criteria provided, single submitter. Criteria: Invitae Variant Classification Sherloc (09022015). Collection method: clinical testing. Allele origin: germline.
Comment: This sequence change replaces asparagine, which is neutral and polar, with histidine, which is basic and polar, at codon 684 of the POLG protein (p.Asn684His). This variant is present in population databases (rs772035848, gnomAD 0.02%). This variant has not been reported in the literature in individuals affected with POLG-related conditions. ClinVar contains an entry for this variant (Variation ID: 1047060). Advanced modeling of protein sequence and biophysical properties (such as structural, functional, and spatial information, amino acid conservation, physicochemical variation, residue mobility, and thermodynamic stability) performed at Invitae indicates that this missense variant is not expected to disrupt POLG protein function with a negative predictive value of 95%. In summary, the available evidence is currently insufficient to determine the role of this variant in disease. Therefore, it has been classified as a Variant of Uncertain Significance.

NM_002693.3(POLG):c.2050A>C (p.Asn684His)

Gene: POLG (DNA polymerase gamma, catalytic subunit; minus strand). Cytogenetic location: 15q26.1.
Variant type: single nucleotide variant.
Coding change: c.2050A>C on transcript NM_002693.3 (MANE Select); coding-DNA position 2050, A replaced by C.
Protein change: p.Asn684His; replaces asparagine 684 with histidine.
Molecular consequence: missense variant.
Genome position (GRCh38, 1-based): chr15:89,324,127, T>G on the plus strand (A>C on the coding strand, the complement: POLG is on the minus strand). VCF-style: chr15-89324127-T-G. GRCh37 (hg19) VCF-style: chr15-89867358-T-G.
Other names: p.Asn684His; c.2050A>C, p.Asn684His (NM_001126131.2); c.2050A>C (NM_002693.2); short protein forms N684H.
Identifiers: ClinVar variation 1047060 (VCV001047060.9), dbSNP rs772035848, ClinGen allele CA7724610.